The following is an entry in ClinVar:

ClinVar aggregate classification (germline): Uncertain significance (1 of 4 stars; one submission).

gnomAD v4.1: 3 of 1,611,524 alleles (0.00019%); highest among the groups gnomAD compares: Non-Finnish European, 0.00025%; no homozygotes.

Submission:

GeneDx
Classification: Uncertain significance. Last evaluated: 2026-02-24. Review status: criteria provided, single submitter. Criteria: GeneDx Variant Classification Process June 2021. Collection method: clinical testing. Allele origin: germline.
Comment: Not observed at significant frequency in large population cohorts (gnomAD); In silico analysis supports that this missense variant has a deleterious effect on protein structure/function; Has not been previously published as pathogenic or benign to our knowledge

NM_138395.4(MARS2):c.221G>C (p.Arg74Pro)

Gene: MARS2 (methionyl-tRNA synthetase 2, mitochondrial; plus strand). Cytogenetic location: 2q33.1.
Variant type: single nucleotide variant.
Coding change: c.221G>C on transcript NM_138395.4 (MANE Select); coding-DNA position 221, G replaced by C.
Protein change: p.Arg74Pro; replaces arginine 74 with proline.
Molecular consequence: missense variant.
Genome position (GRCh38, 1-based): chr2:197,705,626, G>C. VCF-style: chr2-197705626-G-C. GRCh37 (hg19) VCF-style: chr2-198570350-G-C.
Other names: short protein forms R74P.
Identifiers: ClinVar variation 5009900 (VCV005009900.1).